The following is an entry in ClinVar:

NM_173630.4(RTTN):c.4748-2351A>G

Gene: RTTN (rotatin; minus strand). Cytogenetic location: 18q22.2.
Variant type: single nucleotide variant.
Coding change: c.4748-2351A>G on transcript NM_173630.4 (MANE Select); 2351 bases into the intron before coding-DNA position 4748, A replaced by G.
Molecular consequence: intron variant.
Genome position (GRCh38, 1-based): chr18:70,062,393, T>C on the plus strand (A>G on the coding strand, the complement: RTTN is on the minus strand). VCF-style: chr18-70062393-T-C. GRCh37 (hg19) VCF-style: chr18-67729629-T-C.
Other names: c.2012-2351A>G (NM_001318520.2).
Identifiers: ClinVar variation 4076395 (VCV004076395.1).
Genomic context (GRCh38, chr18:70,062,393, plus strand): 5'-CCCTCAATCTCTTCTACACTGTTCCCATCCTCTCTTATTTCCTAACTAACTCCCACCCAT[T>C]CTCATAATTAATCTCATTCATTTCCAGCTGTTCCTTCCTGTTTTCTTTCTACACAAATAG-3'

ClinVar aggregate classification (germline): Uncertain significance (1 of 4 stars; one submission).

Conditions:
Microcephalic primordial dwarfism due to RTTN deficiency (MSSP). Also called: Microcephaly, short stature, and polymicrogyria with or without seizures; MICROCEPHALY, SHORT STATURE, AND POLYMICROGYRIA. Identifiers: Orphanet 468631, MedGen C3553831, MONDO:0018764, OMIM 614833.

Submission:

Laboratorio de Genetica e Diagnostico Molecular, Hospital Israelita Albert Einstein
Classification: Uncertain significance for Microcephalic primordial dwarfism due to RTTN deficiency. Last evaluated: 2023-11-28. Review status: criteria provided, single submitter. Criteria: ACMG Guidelines, 2015. Collection method: clinical testing. Allele origin: germline. Affected: yes.
Comment: ACMG classification criteria: PM2 moderate